The following continues an entry in ClinVar:

NM_000059.4(BRCA2):c.91T>G (p.Trp31Gly)

Gene: BRCA2. ClinVar aggregate classification (germline): Conflicting classifications of pathogenicity. Pathogenic (1); Likely pathogenic (2); Uncertain significance (6).

Submissions 7 to 9 of 9:

Women's Health and Genetics/Laboratory Corporation of America, LabCorp
Classification: Likely pathogenic for Malignant tumor of breast. Last evaluated: 2023-08-28. Review status: criteria provided, single submitter. Criteria: LabCorp Variant Classification Summary - May 2015. Collection method: clinical testing. Allele origin: germline.
Comment: Variant summary: BRCA2 c.91T>G (p.Trp31Gly) results in a non-conservative amino acid change in the encoded protein sequence. Four of five in-silico tools predict a damaging effect of the variant on protein function. The variant was absent in 250830 control chromosomes (gnomAD). c.91T>G has been reported in the literature, primarily as a VUS in settings of multigene panel testing in individuals affected with breast cancer, most with a family history of HBOC-related and/or other cancers (e.g. Ikeda_2001, Chan_2018, Caleca_2018, Shao_2020, El Ansari_2020). These reports do not necessarily provide unequivocal conclusions about association of the variant with breast cancer or HBOC. Several publications report experimental evidence evaluating an impact on protein function. These studies found that the variant impaired the interaction between BRCA2 and PALB2 (Caleca_2018), was unable to rescue the lethal cell phenotype in an mESC functional complementation assay (Thomassen_2022), and support a damaging effect of this variant on homology directed repair (HDR capacity) based on a high throughput cell based viability assay (MANO-B method) to evaluate drug sensitivity of BRCA2 variants treated with PARP inhibitors (olaparib, niraparib, rucaparib and carboplatin) at various concentrations (Ikegami_2020). The following publications have been ascertained in the context of this evaluation (PMID: 30410870, 30093976, 32778078, 11149425, 32444794, 31742824, 35979650). Three submitters have cited clinical-significance assessments for this variant to ClinVar after 2014. All submitters classified the variant as uncertain significance. Based on the evidence outlined above, the variant was classified as likely pathogenic.

All of Us Research Program, National Institutes of Health
Classification: Uncertain significance for Breast-ovarian cancer, familial, susceptibility to, 2. Last evaluated: 2023-06-08. Review status: criteria provided, single submitter. Criteria: ACMG Guidelines, 2015. Collection method: clinical testing. Allele origin: germline. Inheritance: Autosomal dominant inheritance. Observed: 1 variant allele, 1 heterozygote.
Comment: This missense variant replaces tryptophan with glycine at codon 31 of the BRCA2 protein. Computational prediction suggests that this variant may not impact protein structure and function (internally defined REVEL score threshold <= 0.5, PMID: 27666373). Functional studies have shown that this variant has poor complementation in Brca2-deficient mouse embryonic stem cells and demonstrates sensitivity to PARP inhibitors (PMID: 32444794, 35979650). This variant has been reported in individuals affected with early-onset breast cancer and ovarian cancer (PMID: 30093976, 30410870, 32778078). This variant has not been identified in the general population by the Genome Aggregation Database (gnomAD). Different variants affecting the same codon, c.91T>C (p.Trp31Arg) and c.92G>C (p.Trp31Ser), are considered to be pathogenic (ClinVar Variation ID: 52775, 2098802), suggesting that Trp at this position is important for BRCA2 protein function. The available evidence is insufficient to determine the role of this variant in disease conclusively. Therefore, this variant is classified as a Variant of Uncertain Significance.

This study involves interpretation of variants in research participants for the purpose of population health screening. Participant phenotype was not available at the time of variant classification. Additional details can be found in publication PMID: 35346344, PMCID: PMC8962531

Quest Diagnostics Nichols Institute San Juan Capistrano
Classification: Uncertain significance. Last evaluated: 2021-07-12. Review status: criteria provided, single submitter. Criteria: Quest Diagnostics criteria. Collection method: clinical testing. Allele origin: unknown.

Literature cited by the submitters: PubMed 30410870 (cited by 7 submitters); PubMed 22678057 (cited by Myriad Genetics, Inc. and Labcorp Genetics (formerly Invitae), Labcorp); PubMed 16793542 (cited by Myriad Genetics, Inc. and Labcorp Genetics (formerly Invitae), Labcorp); PubMed 28673926 (cited by Myriad Genetics, Inc.); PubMed 11149425 (cited by Labcorp Genetics (formerly Invitae), Labcorp and Women's Health and Genetics/Laboratory Corporation of America, LabCorp); PubMed 30093976 (cited by 6 submitters); PubMed 31742824 (cited by 4 submitters); PubMed 32778078 (cited by 5 submitters); PubMed 32444794 (cited by 5 submitters); PubMed 35979650 (cited by 5 submitters); PubMed 9537232 (cited by Labcorp Genetics (formerly Invitae), Labcorp); PubMed 18363094 (cited by Labcorp Genetics (formerly Invitae), Labcorp); PubMed 19609323 (cited by Labcorp Genetics (formerly Invitae), Labcorp and Quest Diagnostics Nichols Institute San Juan Capistrano); PubMed 20215541 (cited by Labcorp Genetics (formerly Invitae), Labcorp); PubMed 21939546 (cited by Labcorp Genetics (formerly Invitae), Labcorp); PubMed 22194698 (cited by Labcorp Genetics (formerly Invitae), Labcorp); PubMed 24285729 (cited by Labcorp Genetics (formerly Invitae), Labcorp); PubMed 37731132 (cited by Ambry Genetics and Color Diagnostics, LLC DBA Color Health).